The following is an entry in ClinVar:

NM_014975.3(MAST1):c.3862G>A (p.Glu1288Lys)

Gene: MAST1 (microtubule associated serine/threonine kinase 1; plus strand). Cytogenetic location: 19p13.13.
Variant type: single nucleotide variant.
Coding change: c.3862G>A on transcript NM_014975.3 (MANE Select); coding-DNA position 3862, G replaced by A.
Protein change: p.Glu1288Lys; replaces glutamic acid 1288 with lysine.
Molecular consequence: missense variant.
Genome position (GRCh38, 1-based): chr19:12,874,019, G>A. VCF-style: chr19-12874019-G-A. GRCh37 (hg19) VCF-style: chr19-12984833-G-A.
Other names: short protein forms E1288K.
Identifiers: ClinVar variation 2413084 (VCV002413084.3), dbSNP rs2512545162, ClinGen allele CA404289245.
Genomic context (GRCh38, chr19:12,874,019, plus strand): 5'-GAGAAGCTGGGAGCCTCTTTGAGTGCGGACAAGAAGGGCGCGCTGCGCAAACACAGCCTC[G>A]AGGTGGGCCACCCGGATTTCCGCAAGGACTTCCATGGCGAGCTGGCGCTGCATAGCCTTG-3'
Protein context (NP_055790.1, residues 1278-1298): KKGALRKHSL[Glu1288Lys]VGHPDFRKDF

ClinVar aggregate classification (germline): Uncertain significance. Review status: criteria provided, multiple submitters, no conflicts (2 of 4 stars). 2 submissions from 2 submitters: Uncertain significance (2). Last evaluated 2023-12-31.

Conditions:
Inborn genetic diseases. Identifiers: MedGen C0950123, MeSH D030342.

Submissions (2):

Ambry Genetics
Classification: Uncertain significance for Inborn genetic diseases. Last evaluated: 2023-12-31. Review status: criteria provided, single submitter. Criteria: Ambry Variant Classification Scheme 2023. Collection method: clinical testing. Allele origin: germline.

GeneDx
Classification: Uncertain significance. Last evaluated: 2022-07-29. Review status: criteria provided, single submitter. Criteria: GeneDx Variant Classification Process June 2021. Collection method: clinical testing. Allele origin: germline. Affected: yes.
Comment: Not observed at significant frequency in large population cohorts (gnomAD); In silico analysis supports that this missense variant has a deleterious effect on protein structure/function; Has not been previously published as pathogenic or benign to our knowledge